The following is an entry in ClinVar:

NC_000008.10:g.(?_31001056)_(31030618_?)del

Gene: WRN (WRN RecQ like helicase; plus strand). Cytogenetic location: 8p12.
Variant type: Deletion.
Identifiers: ClinVar variation 1452592 (VCV001452592.5).

ClinVar aggregate classification (germline): Pathogenic (1 of 4 stars; one submission).

Conditions:
Werner syndrome (WRN). Identifiers: Orphanet 902, MedGen C0043119, MONDO:0010196, OMIM 277700.

Submission:

Labcorp Genetics (formerly Invitae), Labcorp
Classification: Pathogenic for Werner syndrome. Last evaluated: 2022-05-12. Review status: criteria provided, single submitter. Criteria: Invitae Variant Classification Sherloc (09022015). Collection method: clinical testing. Allele origin: germline.
Comment: This variant is a gross deletion of the genomic region encompassing exon(s) 28-35 of the WRN gene, which includes the termination codon. This deletion extends beyond the assayed region for this gene and therefore may encompass additional genes. While this deletion is not anticipated to lead to nonsense mediated decay, it is expected to alter mRNA translation or result in a truncated protein product. This variant has not been reported in the literature in individuals affected with WRN-related conditions. This variant disrupts a region of the WRN protein in which other variant(s) (del exons 31-34) have been determined to be pathogenic (Invitae). This suggests that this is a clinically significant region of the protein, and that variants that disrupt it are likely to be disease-causing. For these reasons, this variant has been classified as Pathogenic.